The following is an entry in ClinVar:

ClinVar aggregate classification (germline): Uncertain significance. Review status: criteria provided, multiple submitters, no conflicts (2 of 4 stars). 2 submissions from 2 submitters: Uncertain significance (2). Last evaluated 2026-03-16.

Conditions:
Familial adenomatous polyposis 1 (FAP1). Also called: FAMILIAL ADENOMATOUS POLYPOSIS 1, ATTENUATED; POLYPOSIS, ADENOMATOUS INTESTINAL. Identifiers: MedGen C2713442, MONDO:0021056, OMIM 175100. Disease mechanism: loss of function.
Hereditary cancer-predisposing syndrome. Also called: Tumor predisposition; Neoplastic Syndromes, Hereditary; Hereditary Cancer Syndrome; Hereditary neoplastic syndrome. Identifiers: Orphanet 140162, MedGen C0027672, MeSH D009386, MONDO:0015356.

Submissions (2):

Ambry Genetics
Classification: Uncertain significance for Hereditary cancer-predisposing syndrome. Last evaluated: 2026-03-16. Review status: criteria provided, single submitter. Criteria: Ambry Variant Classification Scheme 2023. Collection method: clinical testing. Allele origin: germline.
Comment: The p.H652P variant (also known as c.1955A>C), located in coding exon 14 of the APC gene, results from an A to C substitution at nucleotide position 1955. The histidine at codon 652 is replaced by proline, an amino acid with similar properties. This amino acid position is highly conserved in available vertebrate species. In addition, in silico predictors for this gene do not accurately predict pathogenicity. Missense variants in APC are not a common cause of disease (Spier I et al. Genet Med. 2024 Feb;26(2):100992). Based on the available evidence, the clinical significance of this variant remains unclear.

Labcorp Genetics (formerly Invitae), Labcorp
Classification: Uncertain significance for Familial adenomatous polyposis 1. Last evaluated: 2022-02-10. Review status: criteria provided, single submitter. Criteria: Invitae Variant Classification Sherloc (09022015). Collection method: clinical testing. Allele origin: germline.
Comment: This sequence change replaces histidine, which is basic and polar, with proline, which is neutral and non-polar, at codon 652 of the APC protein (p.His652Pro). This variant is not present in population databases (gnomAD no frequency). This variant has not been reported in the literature in individuals affected with APC-related conditions. Algorithms developed to predict the effect of missense changes on protein structure and function are either unavailable or do not agree on the potential impact of this missense change (SIFT: "Deleterious"; PolyPhen-2: "Possibly Damaging"; Align-GVGD: "Class C0"). In summary, the available evidence is currently insufficient to determine the role of this variant in disease. Therefore, it has been classified as a Variant of Uncertain Significance.

NM_000038.6(APC):c.1955A>C (p.His652Pro)

Gene: APC (APC regulator of Wnt signaling pathway; plus strand). Cytogenetic location: 5q22.2.
Variant type: single nucleotide variant.
Coding change: c.1955A>C on transcript NM_000038.6 (MANE Select); coding-DNA position 1955, A replaced by C.
Protein change: p.His652Pro; replaces histidine 652 with proline.
Molecular consequence: missense variant.
Genome position (GRCh38, 1-based): chr5:112,835,162, A>C. VCF-style: chr5-112835162-A-C. GRCh37 (hg19) VCF-style: chr5-112170859-A-C.
Other names: c.1955A>C, p.His652Pro (NM_001127510.3, NM_001354895.2); c.1901A>C, p.His634Pro (NM_001127511.3); c.2009A>C, p.His670Pro (NM_001354896.2); c.1985A>C, p.His662Pro (NM_001354897.2); c.1880A>C, p.His627Pro (NM_001354898.2); c.1871A>C, p.His624Pro (NM_001354899.2); c.1832A>C, p.His611Pro (NM_001354900.2); c.1778A>C, p.His593Pro (NM_001354901.2); and 6 more; short protein forms H369P, H526P, H561P, H624P, H652P, H634P, H662P, H611P.
Identifiers: ClinVar variation 1478972 (VCV001478972.9), dbSNP rs752539905, ClinGen allele CA16025590.